The following is an entry in ClinVar:

ClinVar aggregate classification (germline): Uncertain significance. Review status: criteria provided, multiple submitters, no conflicts (2 of 4 stars). 2 submissions from 2 submitters: Uncertain significance (2). Last evaluated 2024-05-07.

Conditions:
Nephrolithiasis/nephrocalcinosis. Identifiers: MedGen CN580796.
Familial hypocalciuric hypercalcemia (FHH). Also called: Familial benign hypercalcemia. Identifiers: Orphanet 405, MedGen C1809471, MONDO:0018458.
Autosomal dominant hypocalcemia 1 (HYPOC1). Also called: HYPOCALCEMIA, FAMILIAL. Identifiers: MedGen C3715128, MONDO:0011013, OMIM 601198.

Allele frequency attached by ClinVar (database versions not stated): gnomAD exomes below 0.00001; TOPMed below 0.00001; gnomAD 0.00001.
gnomAD v4.1: 3 of 1,613,992 alleles (0.00019%); highest among the groups gnomAD compares: African/African-American, 0.0027%; no homozygotes.

Submissions (2):

Labcorp Genetics (formerly Invitae), Labcorp
Classification: Uncertain significance for Familial hypocalciuric hypercalcemia; Autosomal dominant hypocalcemia 1. Last evaluated: 2024-05-07. Review status: criteria provided, single submitter. Criteria: Invitae Variant Classification Sherloc (09022015). Collection method: clinical testing. Allele origin: germline.
Comment: This sequence change replaces glycine, which is neutral and non-polar, with glutamic acid, which is acidic and polar, at codon 487 of the CASR protein (p.Gly487Glu). This variant is present in population databases (no rsID available, gnomAD 0.007%). This variant has not been reported in the literature in individuals affected with CASR-related conditions. ClinVar contains an entry for this variant (Variation ID: 532608). An algorithm developed to predict the effect of missense changes on protein structure and function (PolyPhen-2) suggests that this variant is likely to be disruptive. In summary, the available evidence is currently insufficient to determine the role of this variant in disease. Therefore, it has been classified as a Variant of Uncertain Significance.

Ambry Genetics
Classification: Uncertain significance for Nephrolithiasis/nephrocalcinosis. Last evaluated: 2022-04-19. Review status: criteria provided, single submitter. Criteria: Ambry Variant Classification Scheme 2023. Collection method: clinical testing. Allele origin: germline.
Comment: The p.G487E variant (also known as c.1460G>A), located in coding exon 4 of the CASR gene, results from a G to A substitution at nucleotide position 1460. The glycine at codon 487 is replaced by glutamic acid, an amino acid with similar properties. This amino acid position is conserved. In addition, this alteration is predicted to be deleterious by in silico analysis. Since supporting evidence is limited at this time, the clinical significance of this alteration remains unclear.

NM_000388.4(CASR):c.1460G>A (p.Gly487Glu)

Gene: CASR (calcium sensing receptor; plus strand). Cytogenetic location: 3q21.1.
Variant type: single nucleotide variant.
Coding change: c.1460G>A on transcript NM_000388.4 (MANE Select); coding-DNA position 1460, G replaced by A.
Protein change: p.Gly487Glu; replaces glycine 487 with glutamic acid.
Molecular consequence: missense variant.
Genome position (GRCh38, 1-based): chr3:122,275,894, G>A. VCF-style: chr3-122275894-G-A. GRCh37 (hg19) VCF-style: chr3-121994741-G-A.
Other names: c.1460G>A, p.Gly487Glu (NM_001178065.2); short protein forms G487E.
Identifiers: ClinVar variation 532608 (VCV000532608.50), dbSNP rs1206946808, ClinGen allele CA354155121.